The following is an entry in ClinVar:

NC_000002.12:g.(?_178535972)_(178536585_?)del

Gene: TTN (titin; minus strand). Cytogenetic location: 2q31.2.
Variant type: Deletion.
Identifiers: ClinVar variation 832883 (VCV000832883.3).

ClinVar aggregate classification (germline): Uncertain significance (1 of 4 stars; one submission).

Conditions:
Autosomal recessive limb-girdle muscular dystrophy type 2J (LGMDR10). Also called: Limb-girdle muscular dystrophy, type 2J; MUSCULAR DYSTROPHY, LIMB-GIRDLE, AUTOSOMAL RECESSIVE 10. Identifiers: Orphanet 140922, MedGen C1837342, MONDO:0012127, OMIM 608807.
Dilated cardiomyopathy 1G (CMD1G). Identifiers: Orphanet 154, MedGen C1858763, MONDO:0011400, OMIM 604145.

Submission:

Labcorp Genetics (formerly Invitae), Labcorp
Classification: Uncertain significance for Dilated cardiomyopathy 1G; Autosomal recessive limb-girdle muscular dystrophy type 2J. Last evaluated: 2023-12-06. Review status: criteria provided, single submitter. Criteria: Invitae Variant Classification Sherloc (09022015). Collection method: clinical testing. Allele origin: germline.
Comment: This variant is a gross deletion of the genomic region encompassing exon(s) 357 of the TTN gene. This variant would be expected to be in-frame, preserving the integrity of the reading frame. This variant has not been reported in the literature in individuals affected with TTN-related conditions. This variant disrupts the A band of TTN (PMID: 25589632). Copy number variants in TTN have been previously reported in individuals affected with neuromuscular disorders (PMID: 29792937, 30238059), but the functional significance of this variant is currently unknown. In summary, the available evidence is currently insufficient to determine the role of this variant in disease. Therefore, it has been classified as a Variant of Uncertain Significance.

Literature cited by the submitters: PubMed 25589632; PubMed 29792937; PubMed 30238059.